The following is an entry in ClinVar:

ClinVar aggregate classification (germline): Uncertain significance. Review status: criteria provided, multiple submitters, no conflicts (2 of 4 stars). 2 submissions from 2 submitters: Uncertain significance (2). Last evaluated 2026-04-21.

Conditions:
CEP78-related disorder. Also called: CEP78-related condition.

Allele frequency attached by ClinVar (database versions not stated): gnomAD exomes 0.00001; ExAC 0.00003; TOPMed 0.00003; gnomAD 0.00004 and 0.00007; ESP Exome Variant Server 0.00008; 1000 Genomes Project 30x 0.00062; 1000 Genomes Project 0.00080.
gnomAD v4.1: 21 of 1,606,992 alleles (0.0013%); highest among the groups gnomAD compares: African/African-American, 0.027%; no homozygotes.

Submissions (2):

PreventionGenetics, part of Exact Sciences
Classification: Uncertain significance for CEP78-related condition. Last evaluated: 2026-04-21. Review status: criteria provided, single submitter. Criteria: ACMG Guidelines, 2015. Collection method: clinical testing. Allele origin: germline.
Comment: The CEP78 c.1151C>T variant is predicted to result in the amino acid substitution p.Pro384Leu. To our knowledge, this variant has not been reported in the literature. This variant is reported in 0.025% of alleles in individuals of African descent in gnomAD. At this time, the clinical significance of this variant is uncertain due to the absence of conclusive functional and genetic evidence.

Labcorp Genetics (formerly Invitae), Labcorp
Classification: Uncertain significance. Last evaluated: 2022-08-07. Review status: criteria provided, single submitter. Criteria: Invitae Variant Classification Sherloc (09022015). Collection method: clinical testing. Allele origin: germline.
Comment: This variant is present in population databases (rs186987742, gnomAD 0.03%). This sequence change replaces proline, which is neutral and non-polar, with leucine, which is neutral and non-polar, at codon 384 of the CEP78 protein (p.Pro384Leu). This variant has not been reported in the literature in individuals affected with CEP78-related conditions. ClinVar contains an entry for this variant (Variation ID: 1444438). Algorithms developed to predict the effect of missense changes on protein structure and function are either unavailable or do not agree on the potential impact of this missense change (SIFT: "Tolerated"; PolyPhen-2: "Probably Damaging"; Align-GVGD: "Class C0"). In summary, the available evidence is currently insufficient to determine the role of this variant in disease. Therefore, it has been classified as a Variant of Uncertain Significance.

NM_001330691.3(CEP78):c.1148C>T (p.Pro383Leu)

Gene: CEP78 (centrosomal protein 78; plus strand). Cytogenetic location: 9q21.2.
Variant type: single nucleotide variant.
Coding change: c.1148C>T on transcript NM_001330691.3 (MANE Select); coding-DNA position 1148, C replaced by T.
Protein change: p.Pro383Leu; replaces proline 383 with leucine.
Molecular consequence: missense variant.
Genome position (GRCh38, 1-based): chr9:78,251,986, C>T. VCF-style: chr9-78251986-C-T. GRCh37 (hg19) VCF-style: chr9-80866902-C-T.
Other names: c.1151C>T (NM_001098802.1); c.1151C>T, p.Pro384Leu (NM_001098802.3, NM_001349839.2, NM_001349840.2 and 1 more transcripts); c.1148C>T, p.Pro383Leu (NM_001330693.3, NM_001330694.2, NM_001349838.2); short protein forms P384L, P383L.
Identifiers: ClinVar variation 1444438 (VCV001444438.9), dbSNP rs186987742, ClinGen allele CA5095155.